The following is an entry in ClinVar:

NM_020638.3(FGF23):c.550G>A (p.Asp184Asn)

Gene: FGF23 (fibroblast growth factor 23; minus strand). Cytogenetic location: 12p13.32.
Variant type: single nucleotide variant.
Coding change: c.550G>A on transcript NM_020638.3 (MANE Select); coding-DNA position 550, G replaced by A.
Protein change: p.Asp184Asn; replaces aspartic acid 184 with asparagine.
Molecular consequence: missense variant.
Genome position (GRCh38, 1-based): chr12:4,370,549, C>T on the plus strand (G>A on the coding strand, the complement: FGF23 is on the minus strand). VCF-style: chr12-4370549-C-T. GRCh37 (hg19) VCF-style: chr12-4479715-C-T.
Other names: short protein forms D184N.
Identifiers: ClinVar variation 1986419 (VCV001986419.6), dbSNP rs768373820, ClinGen allele CA6395657.

ClinVar aggregate classification (germline): Uncertain significance. Review status: criteria provided, multiple submitters, no conflicts (2 of 4 stars). 3 submissions from 3 submitters: Uncertain significance (3). Last evaluated 2025-06-03.

Conditions:
Autosomal dominant hypophosphatemic rickets (ADHR). Also called: VITAMIN D-RESISTANT RICKETS, AUTOSOMAL DOMINANT; HYPOPHOSPHATEMIA, AUTOSOMAL DOMINANT. Identifiers: Orphanet 89937, MedGen C0342642, MONDO:0008660, OMIM 193100.
Tumoral calcinosis, hyperphosphatemic, familial, 2. Identifiers: MedGen C4693863, MONDO:0060714, OMIM 617993.
Inborn genetic diseases. Identifiers: MedGen C0950123, MeSH D030342.

Allele frequency attached by ClinVar (database versions not stated): TOPMed 0.00004; gnomAD 0.00007.
gnomAD v4.1: 20 of 1,613,152 alleles (0.0012%); highest among the groups gnomAD compares: African/African-American, 0.017%; no homozygotes.

Submissions (3):

Labcorp Genetics (formerly Invitae), Labcorp
Classification: Uncertain significance. Last evaluated: 2025-06-03. Review status: criteria provided, single submitter. Criteria: Invitae Variant Classification Sherloc (09022015). Collection method: clinical testing. Allele origin: germline.
Comment: This sequence change replaces aspartic acid, which is acidic and polar, with asparagine, which is neutral and polar, at codon 184 of the FGF23 protein (p.Asp184Asn). This variant is present in population databases (rs768373820, gnomAD 0.02%). This variant has not been reported in the literature in individuals affected with FGF23-related conditions. ClinVar contains an entry for this variant (Variation ID: 1986419). Invitae Evidence Modeling of protein sequence and biophysical properties (such as structural, functional, and spatial information, amino acid conservation, physicochemical variation, residue mobility, and thermodynamic stability) indicates that this missense variant is not expected to disrupt FGF23 protein function with a negative predictive value of 95%. In summary, the available evidence is currently insufficient to determine the role of this variant in disease. Therefore, it has been classified as a Variant of Uncertain Significance.

Fulgent Genetics
Classification: Uncertain significance for Autosomal dominant hypophosphatemic rickets; Tumoral calcinosis, hyperphosphatemic, familial, 2. Last evaluated: 2024-06-13. Review status: criteria provided, single submitter. Criteria: ACMG Guidelines, 2015. Collection method: clinical testing. Allele origin: germline.

Ambry Genetics
Classification: Uncertain significance for Inborn genetic diseases. Last evaluated: 2021-04-01. Review status: criteria provided, single submitter. Criteria: Ambry Variant Classification Scheme 2023. Collection method: clinical testing. Allele origin: germline.
Comment: Unlikely to be causative of hypophosphatemic rickets (AD) Based on insufficient or conflicting evidence, the clinical significance of this alteration remains unclear.